The following is an entry in ClinVar:

ClinVar aggregate classification (germline): Uncertain significance. Review status: criteria provided, multiple submitters, no conflicts (2 of 4 stars). 2 submissions from 2 submitters: Uncertain significance (2). Last evaluated 2023-12-18.

Conditions:
Inborn genetic diseases. Identifiers: MedGen C0950123, MeSH D030342.

Allele frequency attached by ClinVar (database versions not stated): gnomAD exomes below 0.00001; gnomAD 0.00001; TOPMed 0.00002.
gnomAD v4.1: 5 of 1,613,854 alleles (0.00031%); highest among the groups gnomAD compares: African/African-American, 0.0013%; no homozygotes.

Submissions (2):

Ambry Genetics
Classification: Uncertain significance for Inborn genetic diseases. Last evaluated: 2023-12-18. Review status: criteria provided, single submitter. Criteria: Ambry Variant Classification Scheme 2023. Collection method: clinical testing. Allele origin: germline.

Labcorp Genetics (formerly Invitae), Labcorp
Classification: Uncertain significance. Last evaluated: 2022-10-28. Review status: criteria provided, single submitter. Criteria: Invitae Variant Classification Sherloc (09022015). Collection method: clinical testing. Allele origin: germline.
Comment: In summary, the available evidence is currently insufficient to determine the role of this variant in disease. Therefore, it has been classified as a Variant of Uncertain Significance. Algorithms developed to predict the effect of missense changes on protein structure and function (SIFT, PolyPhen-2, Align-GVGD) all suggest that this variant is likely to be tolerated. ClinVar contains an entry for this variant (Variation ID: 960884). This variant has not been reported in the literature in individuals affected with RP1-related conditions. This variant is not present in population databases (gnomAD no frequency). This sequence change replaces histidine, which is basic and polar, with arginine, which is basic and polar, at codon 1474 of the RP1 protein (p.His1474Arg).

NM_006269.2(RP1):c.4421A>G (p.His1474Arg)

Gene: RP1 (RP1 axonemal microtubule associated; plus strand). Cytogenetic location: 8q12.1.
Variant type: single nucleotide variant.
Coding change: c.4421A>G on transcript NM_006269.2 (MANE Select); coding-DNA position 4421, A replaced by G.
Protein change: p.His1474Arg; replaces histidine 1474 with arginine.
Molecular consequence: missense variant. On other transcripts: intron variant (1).
Genome position (GRCh38, 1-based): chr8:54,628,303, A>G. VCF-style: chr8-54628303-A-G. GRCh37 (hg19) VCF-style: chr8-55540863-A-G.
Other names: c.787+6015A>G (NM_001375654.1); short protein forms H1474R.
Identifiers: ClinVar variation 960884 (VCV000960884.11), dbSNP rs1193243179, ClinGen allele CA370982167.